The following is an entry in ClinVar:

ClinVar aggregate classification (germline): Uncertain significance (1 of 4 stars; one submission).

Submission:

Labcorp Genetics (formerly Invitae), Labcorp
Classification: Uncertain significance. Last evaluated: 2024-09-24. Review status: criteria provided, single submitter. Criteria: Invitae Variant Classification Sherloc (09022015). Collection method: clinical testing. Allele origin: germline.
Comment: This sequence change replaces lysine, which is basic and polar, with methionine, which is neutral and non-polar, at codon 60 of the PSMB4 protein (p.Lys60Met). This variant is not present in population databases (gnomAD no frequency). This variant has not been reported in the literature in individuals affected with PSMB4-related conditions. An algorithm developed to predict the effect of missense changes on protein structure and function (PolyPhen-2) suggests that this variant is likely to be disruptive. In summary, the available evidence is currently insufficient to determine the role of this variant in disease. Therefore, it has been classified as a Variant of Uncertain Significance.

NM_002796.3(PSMB4):c.179A>T (p.Lys60Met)

Gene: PSMB4 (proteasome 20S subunit beta 4; plus strand). Cytogenetic location: 1q21.3.
Variant type: single nucleotide variant.
Coding change: c.179A>T on transcript NM_002796.3 (MANE Select); coding-DNA position 179, A replaced by T.
Protein change: p.Lys60Met; replaces lysine 60 with methionine.
Molecular consequence: missense variant.
Genome position (GRCh38, 1-based): chr1:151,400,019, A>T. VCF-style: chr1-151400019-A-T. GRCh37 (hg19) VCF-style: chr1-151372495-A-T.
Other names: short protein forms K60M.
Identifiers: ClinVar variation 3721473 (VCV003721473.2).